The following is an entry in ClinVar:

NM_000059.4(BRCA2):c.8332-3394A>G

Gene: BRCA2 (BRCA2 DNA repair associated; plus strand). Cytogenetic location: 13q13.1.
Variant type: single nucleotide variant.
Coding change: c.8332-3394A>G on transcript NM_000059.4 (MANE Select); 3394 bases into the intron before coding-DNA position 8332, A replaced by G.
Molecular consequence: intron variant.
Genome position (GRCh38, 1-based): chr13:32,367,008, A>G. VCF-style: chr13-32367008-A-G. GRCh37 (hg19) VCF-style: chr13-32941145-A-G.
Other names: IVS 18-3394A>G.
Identifiers: ClinVar variation 209794 (VCV000209794.1), dbSNP rs11839855, ClinGen allele CA276762.

ClinVar aggregate classification (germline): Benign (3 of 4 stars; one submission).

Conditions:
Breast-ovarian cancer, familial, susceptibility to, 2 (BROVCA2). Also called: BRCA2 Hereditary Breast and Ovarian Cancer. Identifiers: Orphanet 145, MedGen C2675520, MONDO:0012933, OMIM 612555. Disease mechanism: loss of function.

Allele frequency attached by ClinVar (database versions not stated): 1000 Genomes Project 0.00679; gnomAD 0.00787 and 0.00845; 1000 Genomes Project 30x 0.00843; TOPMed 0.00917.
gnomAD v4.1: 1,185 of 152,338 alleles (0.78%); highest among the groups gnomAD compares: African/African-American, 2.6%; 18 homozygotes.

Submission:

Evidence-based Network for the Interpretation of Germline Mutant Alleles (ENIGMA)
Classification: Benign for Breast-ovarian cancer, familial 2. Last evaluated: 2015-01-12. Review status: reviewed by expert panel. Criteria: ENIGMA BRCA1/2 Classification Criteria (2015). Collection method: curation. Allele origin: germline.
Comment: Class 1 not pathogenic based on frequency >1% in an outbred sampleset. Frequency 0.02033 (African), derived from 1000 genomes (2012-04-30).